The following is an entry in ClinVar:

ClinVar aggregate classification (germline): Pathogenic (1 of 4 stars; one submission).

Conditions:
Fanconi anemia complementation group E (FANCE). Also called: FANCE-Related Fanconi Anemia. Identifiers: Orphanet 84, MedGen C3160739, MONDO:0010953, OMIM 600901.

Submission:

Labcorp Genetics (formerly Invitae), Labcorp
Classification: Pathogenic for Fanconi anemia complementation group E. Last evaluated: 2023-02-25. Review status: criteria provided, single submitter. Criteria: Invitae Variant Classification Sherloc (09022015). Collection method: clinical testing. Allele origin: germline.
Comment: This variant has not been reported in the literature in individuals affected with FANCE-related conditions. For these reasons, this variant has been classified as Pathogenic. Algorithms developed to predict the effect of sequence changes on RNA splicing suggest that this variant may disrupt the consensus splice site. This variant is not present in population databases (gnomAD no frequency). This sequence change creates a premature translational stop signal (p.Gln455*) in the FANCE gene. It is expected to result in an absent or disrupted protein product. Loss-of-function variants in FANCE are known to be pathogenic (PMID: 11001585, 17924555).

Literature cited by the submitters: PubMed 11001585; PubMed 17924555.

NM_021922.3(FANCE):c.1363C>T (p.Gln455Ter)

Gene: FANCE (FA complementation group E; plus strand). Cytogenetic location: 6p21.31.
Variant type: single nucleotide variant.
Coding change: c.1363C>T on transcript NM_021922.3 (MANE Select); coding-DNA position 1363, C replaced by T.
Protein change: p.Gln455Ter; replaces glutamine 455 with a stop codon.
Molecular consequence: nonsense. On other transcripts: intron variant (1).
Genome position (GRCh38, 1-based): chr6:35,460,598, C>T. VCF-style: chr6-35460598-C-T. GRCh37 (hg19) VCF-style: chr6-35428375-C-T.
Other names: c.1316+838C>T (NM_001410876.1); short protein forms Q455*.
Identifiers: ClinVar variation 3008631 (VCV003008631.3), dbSNP rs2150898479, ClinGen allele CA363777776.